The following is an entry in ClinVar:

ClinVar aggregate classification (germline): Likely pathogenic (1 of 4 stars; one submission).

Conditions:
Intellectual disability. Also called: Intellectual functioning disability; intellectual disabilities; Intellectual developmental disorder. Identifiers: MedGen C3714756, MeSH D008607, MONDO:0001071, HP:0001249.

Submission:

Equipe Genetique des Anomalies du Developpement, Université de Bourgogne
Classification: Likely pathogenic for Intellectual disability. Review status: criteria provided, single submitter. Criteria: ACMG Guidelines, 2015. Collection method: clinical testing. Allele origin: maternal. Affected: yes.

NM_001367721.1(CASK):c.487T>C (p.Phe163Leu)

Gene: CASK (calcium/calmodulin dependent serine protein kinase; minus strand). Cytogenetic location: Xp11.4.
Variant type: single nucleotide variant.
Coding change: c.487T>C on transcript NM_001367721.1 (MANE Select); coding-DNA position 487, T replaced by C.
Protein change: p.Phe163Leu; replaces phenylalanine 163 with leucine.
Molecular consequence: missense variant.
Genome position (GRCh38, 1-based): chrX:41,671,473, A>G on the plus strand (T>C on the coding strand, the complement: CASK is on the minus strand). VCF-style: chrX-41671473-A-G. GRCh37 (hg19) VCF-style: chrX-41530726-A-G.
Other names: c.487T>C, p.Phe163Leu (NM_001126054.3, NM_001126055.3, NM_001410745.1 and 1 more transcripts); short protein forms F163L.
Identifiers: ClinVar variation 1172654 (VCV001172654.1), dbSNP rs2147495667, ClinGen allele CA412998991.